The following is an entry in ClinVar:

NM_198253.3(TERT):c.3200C>A (p.Ser1067Tyr)

Gene: TERT (telomerase reverse transcriptase; minus strand). Cytogenetic location: 5p15.33.
Variant type: single nucleotide variant.
Coding change: c.3200C>A on transcript NM_198253.3 (MANE Select); coding-DNA position 3200, C replaced by A.
Protein change: p.Ser1067Tyr; replaces serine 1067 with tyrosine.
Molecular consequence: missense variant. On other transcripts: non-coding transcript variant (2).
Genome position (GRCh38, 1-based): chr5:1,254,463, G>T on the plus strand (C>A on the coding strand, the complement: TERT is on the minus strand). VCF-style: chr5-1254463-G-T. GRCh37 (hg19) VCF-style: chr5-1254578-G-T.
Other names: c.3011C>A, p.Ser1004Tyr (NM_001193376.3); short protein forms S1067Y, S1004Y.
Identifiers: ClinVar variation 640406 (VCV000640406.9), dbSNP rs1579542703, ClinGen allele CA359067445.

ClinVar aggregate classification (germline): Uncertain significance (1 of 4 stars; one submission).

Conditions:
Idiopathic Pulmonary Fibrosis. Also called: Idiopathic fibrosing alveolitis, chronic form; idiopathic fibrosing alveolitis. Identifiers: Orphanet 2032, MedGen C1800706, MeSH D054990, MONDO:0800504.
Dyskeratosis congenita, autosomal dominant 2. Identifiers: MedGen C3151443, MONDO:0013521, OMIM 613989.

Allele frequency attached by ClinVar (database versions not stated): gnomAD exomes below 0.00001.
gnomAD v4.1: 1 of 1,612,940 alleles (0.000062%); highest among the groups gnomAD compares: Non-Finnish European, 0.000085%; no homozygotes.

Submission:

Labcorp Genetics (formerly Invitae), Labcorp
Classification: Uncertain significance for Dyskeratosis congenita, autosomal dominant 2; Idiopathic Pulmonary Fibrosis. Last evaluated: 2025-05-05. Review status: criteria provided, single submitter. Criteria: Invitae Variant Classification Sherloc (09022015). Collection method: clinical testing. Allele origin: germline.
Comment: This sequence change replaces serine, which is neutral and polar, with tyrosine, which is neutral and polar, at codon 1067 of the TERT protein (p.Ser1067Tyr). This variant is not present in population databases (gnomAD no frequency). This variant has not been reported in the literature in individuals affected with TERT-related conditions. ClinVar contains an entry for this variant (Variation ID: 640406). Invitae Evidence Modeling of protein sequence and biophysical properties (such as structural, functional, and spatial information, amino acid conservation, physicochemical variation, residue mobility, and thermodynamic stability) has been performed for this missense variant. However, the output from this modeling did not meet the statistical confidence thresholds required to predict the impact of this variant on TERT protein function. In summary, the available evidence is currently insufficient to determine the role of this variant in disease. Therefore, it has been classified as a Variant of Uncertain Significance.